The following is an entry in ClinVar:

NM_024675.4(PALB2):c.3544G>T (p.Val1182Leu)

Gene: PALB2 (partner and localizer of BRCA2; minus strand). Cytogenetic location: 16p12.2.
Variant type: single nucleotide variant.
Coding change: c.3544G>T on transcript NM_024675.4 (MANE Select); coding-DNA position 3544, G replaced by T.
Protein change: p.Val1182Leu; replaces valine 1182 with leucine.
Molecular consequence: missense variant. On other transcripts: 3 prime UTR variant (5).
Genome position (GRCh38, 1-based): chr16:23,603,476, C>A on the plus strand (G>T on the coding strand, the complement: PALB2 is on the minus strand). VCF-style: chr16-23603476-C-A. GRCh37 (hg19) VCF-style: chr16-23614797-C-A.
Other names: c.3484G>T, p.Val1162Leu (NM_001407296.1); c.3472G>T, p.Val1158Leu (NM_001407297.1); c.3382G>T, p.Val1128Leu (NM_001407298.1); c.3307G>T, p.Val1103Leu (NM_001407299.1); c.3265G>T, p.Val1089Leu (NM_001407300.1); c.*179G>T (NM_001407301.1, NM_001407302.1, NM_001407310.1 and 2 more transcripts); c.2659G>T, p.Val887Leu (NM_001407304.1, NM_001407305.1, NM_001407306.1); c.2497G>T, p.Val833Leu (NM_001407307.1); and 3 more; short protein forms V1162L, V887L, V1128L, V833L, V1103L, V1158L, V1182L, V586L.
Identifiers: ClinVar variation 3413485 (VCV003413485.1).
Genomic context (GRCh38, chr16:23,603,476, plus strand): 5'-GGCCCAATATATCCAGAAAATTGTGTTTTCACTTTACCCTAACTTATGAATAGTGGTATA[C>A]AAATATATTTCCATCTTTTTGTCCAGCCAGCAAATGAGAGTCTGTACCCGACCATTTCAC-3'
Protein context (NP_078951.2, residues 1172-1186): LAGQKDGNIF[Val1182Leu]YHYS

ClinVar aggregate classification (germline): Uncertain significance (1 of 4 stars; one submission).

Conditions:
Hereditary cancer-predisposing syndrome. Also called: Neoplastic Syndromes, Hereditary; Tumor predisposition; Hereditary Cancer Syndrome; Hereditary neoplastic syndrome. Identifiers: Orphanet 140162, MedGen C0027672, MeSH D009386, MONDO:0015356.

Submission:

Ambry Genetics
Classification: Uncertain significance for Hereditary cancer-predisposing syndrome. Last evaluated: 2024-10-20. Review status: criteria provided, single submitter. Criteria: Ambry Variant Classification Scheme 2023. Collection method: clinical testing. Allele origin: germline.
Comment: The p.V1182L variant (also known as c.3544G>T), located in coding exon 13 of the PALB2 gene, results from a G to T substitution at nucleotide position 3544. The valine at codon 1182 is replaced by leucine, an amino acid with highly similar properties. This amino acid position is conserved. In addition, this alteration is predicted to be tolerated by in silico analysis. Based on the available evidence, the clinical significance of this variant remains unclear.